The following is an entry in ClinVar:

NM_005560.6(LAMA5):c.7295C>T (p.Ala2432Val)

Gene: LAMA5 (laminin subunit alpha 5; minus strand). Cytogenetic location: 20q13.33.
Variant type: single nucleotide variant.
Coding change: c.7295C>T on transcript NM_005560.6 (MANE Select); coding-DNA position 7295, C replaced by T.
Protein change: p.Ala2432Val; replaces alanine 2432 with valine.
Molecular consequence: missense variant.
Genome position (GRCh38, 1-based): chr20:62,317,723, G>A on the plus strand (C>T on the coding strand, the complement: LAMA5 is on the minus strand). VCF-style: chr20-62317723-G-A. GRCh37 (hg19) VCF-style: chr20-60892779-G-A.
Other names: c.7295C>T (NM_005560.3); short protein forms A2432V.
Identifiers: ClinVar variation 2083788 (VCV002083788.2), dbSNP rs759314627, ClinGen allele CA9941304.
Genomic context (GRCh38, chr20:62,317,723, plus strand): 5'-TCCTTAGCCTGGTCCAGGCTGTGCAGCAATCTGAAGACGCTGGCCAGGGTGTCCCTAGCC[G>A]CATGCAGAGTGGCCTGCAGGGTGGCATTGTCCCGGGACAGCTCCTGCTTCCTTTGCTGAA-3'
Protein context (NP_005551.3, residues 2422-2442): DNATLQATLH[Ala2432Val]ARDTLASVFR

ClinVar aggregate classification (germline): Uncertain significance. Review status: criteria provided, multiple submitters, no conflicts (2 of 4 stars). 2 submissions from 2 submitters: Uncertain significance (2). Last evaluated 2024-06-19.

Conditions:
Inborn genetic diseases. Identifiers: MedGen C0950123, MeSH D030342.

Allele frequency attached by ClinVar (database versions not stated): gnomAD 0.00004; ExAC 0.00005.
gnomAD v4.1: 80 of 1,607,002 alleles (0.005%); highest among the groups gnomAD compares: East Asian, 0.011%; no homozygotes.

Submissions (2):

Ambry Genetics
Classification: Uncertain significance for Inborn genetic diseases. Last evaluated: 2024-06-19. Review status: criteria provided, single submitter. Criteria: Ambry Variant Classification Scheme 2023. Collection method: clinical testing. Allele origin: germline.

Labcorp Genetics (formerly Invitae), Labcorp
Classification: Uncertain significance. Last evaluated: 2021-12-13. Review status: criteria provided, single submitter. Criteria: Invitae Variant Classification Sherloc (09022015). Collection method: clinical testing. Allele origin: germline.
Comment: This sequence change replaces alanine, which is neutral and non-polar, with valine, which is neutral and non-polar, at codon 2432 of the LAMA5 protein (p.Ala2432Val). This variant is present in population databases (rs759314627, gnomAD 0.01%). This variant has not been reported in the literature in individuals affected with LAMA5-related conditions. Algorithms developed to predict the effect of missense changes on protein structure and function are either unavailable or do not agree on the potential impact of this missense change (SIFT: "Tolerated"; PolyPhen-2: "Possibly Damaging"; Align-GVGD: "Class C0"). In summary, the available evidence is currently insufficient to determine the role of this variant in disease. Therefore, it has been classified as a Variant of Uncertain Significance.